The following is an entry in ClinVar:

NM_004301.5(ACTL6A):c.993A>G (p.Thr331=)

Gene: ACTL6A (actin like 6A; plus strand). Cytogenetic location: 3q26.33.
Variant type: single nucleotide variant.
Coding change: c.993A>G on transcript NM_004301.5 (MANE Select); coding-DNA position 993, A replaced by G.
Protein change: p.Thr331=; no amino-acid change (threonine 331 retained).
Molecular consequence: synonymous variant.
Genome position (GRCh38, 1-based): chr3:179,581,187, A>G. VCF-style: chr3-179581187-A-G. GRCh37 (hg19) VCF-style: chr3-179298975-A-G.
Other names: c.867A>G, p.Thr289= (NM_177989.4, NM_178042.4).
Identifiers: ClinVar variation 2654292 (VCV002654292.24), dbSNP rs146107398, ClinGen allele CA2712950.

ClinVar aggregate classification (germline): Likely benign (1 of 4 stars; one submission).

Allele frequency attached by ClinVar (database versions not stated): ExAC 0.00008; gnomAD 0.00008; TOPMed 0.00013; ESP Exome Variant Server 0.00015; 1000 Genomes Project 30x 0.00016; 1000 Genomes Project 0.00020.
gnomAD v4.1: 96 of 1,614,000 alleles (0.0059%); highest among the groups gnomAD compares: Middle Eastern, 0.099%; no homozygotes.

Submission:

CeGaT Center for Human Genetics Tuebingen
Classification: Likely benign. Last evaluated: 2022-03-01. Review status: criteria provided, single submitter. Criteria: CeGaT Center For Human Genetics Tuebingen Variant Classification Criteria Version 2. Collection method: clinical testing. Allele origin: germline. Affected: yes. Observed: 1 variant allele.
Comment: ACTL6A: BP4, BP7